The following is an entry in ClinVar:

NM_001277115.2(DNAH11):c.3422A>T (p.Asp1141Val)

Genes: DNAH11 (dynein axonemal heavy chain 11; plus strand), LOC126859961 (BRD4-independent group 4 enhancer GRCh37_chr7:21639662-21640861; plus strand). Cytogenetic location: 7p15.3.
Variant type: single nucleotide variant.
Coding change: c.3422A>T on transcript NM_001277115.2 (MANE Select); coding-DNA position 3422, A replaced by T.
Protein change: p.Asp1141Val; replaces aspartic acid 1141 with valine.
Molecular consequence: missense variant.
Genome position (GRCh38, 1-based): chr7:21,601,176, A>T. VCF-style: chr7-21601176-A-T. GRCh37 (hg19) VCF-style: chr7-21640794-A-T.
Other names: short protein forms D1141V.
Identifiers: ClinVar variation 359620 (VCV000359620.13), dbSNP rs373365959, ClinGen allele CA4179613.

ClinVar aggregate classification (germline): Conflicting classifications of pathogenicity. Review status: criteria provided, conflicting classifications (1 of 4 stars). 3 submissions from 3 submitters: Uncertain significance (2); Benign (1). Last evaluated 2025-03-19.

Conditions:
Primary ciliary dyskinesia. Also called: Ciliary dyskinesia. Identifiers: Orphanet 244, MedGen C0008780, MONDO:0016575, HP:0012265.

Allele frequency attached by ClinVar (database versions not stated): ExAC 0.00006; gnomAD exomes 0.00007; ESP Exome Variant Server 0.00008; TOPMed 0.00010; gnomAD 0.00011.
gnomAD v4.1: 176 of 1,589,122 alleles (0.011%); highest among the groups gnomAD compares: Non-Finnish European, 0.014%; no homozygotes.

Submissions (3):

Labcorp Genetics (formerly Invitae), Labcorp
Classification: Benign for Primary ciliary dyskinesia. Last evaluated: 2025-03-19. Review status: criteria provided, single submitter. Criteria: Invitae Variant Classification Sherloc (09022015). Collection method: clinical testing. Allele origin: germline.

Blueprint Genetics
Classification: Uncertain significance. Last evaluated: 2023-06-15. Review status: criteria provided, single submitter. Criteria: ACMG Guidelines, 2015. Collection method: clinical testing. Allele origin: germline.

Ambry Genetics
Classification: Uncertain significance for Primary ciliary dyskinesia. Last evaluated: 2022-02-17. Review status: criteria provided, single submitter. Criteria: Ambry Variant Classification Scheme 2023. Collection method: clinical testing. Allele origin: germline.
Comment: The p.D1141V variant (also known as c.3422A>T), located in coding exon 17 of the DNAH11 gene, results from an A to T substitution at nucleotide position 3422. The aspartic acid at codon 1141 is replaced by valine, an amino acid with highly dissimilar properties. This amino acid position is conserved. In addition, this alteration is predicted to be tolerated by in silico analysis. Since supporting evidence is limited at this time, the clinical significance of this alteration remains unclear.